The following is an entry in ClinVar:

ClinVar aggregate classification (germline): Uncertain significance (1 of 4 stars; one submission).

Allele frequency attached by ClinVar (database versions not stated): gnomAD exomes 0.00001; ExAC 0.00008; ESP Exome Variant Server 0.00008; TOPMed 0.00016; gnomAD 0.00026.
gnomAD v4.1: 71 of 1,593,288 alleles (0.0045%); highest among the groups gnomAD compares: Admixed American, 0.044%; 7 homozygotes.

Submission:

Labcorp Genetics (formerly Invitae), Labcorp
Classification: Uncertain significance. Last evaluated: 2025-05-19. Review status: criteria provided, single submitter. Criteria: Invitae Variant Classification Sherloc (09022015). Collection method: clinical testing. Allele origin: germline.
Comment: This sequence change replaces glutamine, which is neutral and polar, with arginine, which is basic and polar, at codon 1157 of the SORL1 protein (p.Gln1157Arg). This variant is present in population databases (rs371603043, gnomAD 0.03%). This variant has not been reported in the literature in individuals affected with SORL1-related conditions. ClinVar contains an entry for this variant (Variation ID: 2048320). An algorithm developed to predict the effect of missense changes on protein structure and function (PolyPhen-2) suggests that this variant is likely to be disruptive. In summary, the available evidence is currently insufficient to determine the role of this variant in disease. Therefore, it has been classified as a Variant of Uncertain Significance.

NM_003105.6(SORL1):c.3470A>G (p.Gln1157Arg)

Gene: SORL1 (sortilin related receptor 1; plus strand). Cytogenetic location: 11q24.1.
Variant type: single nucleotide variant.
Coding change: c.3470A>G on transcript NM_003105.6 (MANE Select); coding-DNA position 3470, A replaced by G.
Protein change: p.Gln1157Arg; replaces glutamine 1157 with arginine.
Molecular consequence: missense variant.
Genome position (GRCh38, 1-based): chr11:121,577,290, A>G. VCF-style: chr11-121577290-A-G. GRCh37 (hg19) VCF-style: chr11-121447999-A-G.
Other names: short protein forms Q1157R.
Identifiers: ClinVar variation 2048320 (VCV002048320.4), dbSNP rs371603043, ClinGen allele CA6329276.